The following is an entry in ClinVar:

ClinVar aggregate classification (germline): Uncertain significance. Review status: criteria provided, multiple submitters, no conflicts (2 of 4 stars). 5 submissions from 5 submitters: Uncertain significance (5). Last evaluated 2025-09-08.

Conditions:
Hearing impairment. Also called: Impaired Hearing. Identifiers: MedGen C1384666, MONDO:0005365, HP:0000365.
Inborn genetic diseases. Identifiers: MedGen C0950123, MeSH D030342.

Allele frequency attached by ClinVar (database versions not stated): ExAC 0.00002; 1000 Genomes Project 30x 0.00016; gnomAD 0.00001; gnomAD exomes 0.00001 and below 0.00001; TOPMed 0.00001; 1000 Genomes Project 0.00020.
gnomAD v4.1: 10 of 1,600,104 alleles (0.00062%); highest among the groups gnomAD compares: East Asian, 0.011%; no homozygotes.

Submissions (5):

GeneDx
Classification: Uncertain significance. Last evaluated: 2025-09-08. Review status: criteria provided, single submitter. Criteria: GeneDx Variant Classification Process June 2021. Collection method: clinical testing. Allele origin: germline. Affected: yes.
Comment: Not observed at significant frequency in large population cohorts (gnomAD); In silico analysis suggests that this missense variant does not alter protein structure/function; Has not been previously published as pathogenic or benign to our knowledge

Ambry Genetics
Classification: Uncertain significance for Inborn genetic diseases. Last evaluated: 2025-07-01. Review status: criteria provided, single submitter. Criteria: Ambry Variant Classification Scheme 2023. Collection method: clinical testing. Allele origin: germline.

Labcorp Genetics (formerly Invitae), Labcorp
Classification: Uncertain significance. Last evaluated: 2022-04-29. Review status: criteria provided, single submitter. Criteria: Invitae Variant Classification Sherloc (09022015). Collection method: clinical testing. Allele origin: germline.
Comment: In summary, the available evidence is currently insufficient to determine the role of this variant in disease. Therefore, it has been classified as a Variant of Uncertain Significance. Algorithms developed to predict the effect of missense changes on protein structure and function (SIFT, PolyPhen-2, Align-GVGD) all suggest that this variant is likely to be disruptive. ClinVar contains an entry for this variant (Variation ID: 1065061). This variant has not been reported in the literature in individuals affected with MYH14-related conditions. The frequency data for this variant in the population databases is considered unreliable, as metrics indicate poor data quality at this position in the gnomAD database. This sequence change replaces arginine, which is basic and polar, with glutamine, which is neutral and polar, at codon 1284 of the MYH14 protein (p.Arg1284Gln).

Department of Otolaryngology – Head & Neck Surgery, Cochlear Implant Center
Classification: Uncertain significance for Hearing impairment. Last evaluated: 2021-04-12. Review status: criteria provided, single submitter. Criteria: ClinGen HL ACMG Specifications v1. Collection method: clinical testing. Allele origin: germline. Affected: yes.
Comment: PM2_Moderate, BP4_Supporting, PM5_Supporting

Blueprint Genetics
Classification: Uncertain significance. Last evaluated: 2019-01-24. Review status: criteria provided, single submitter. Criteria: ACMG Guidelines, 2015. Collection method: clinical testing. Allele origin: germline.

NM_001145809.2(MYH14):c.3974G>A (p.Arg1325Gln)

Gene: MYH14 (myosin heavy chain 14; plus strand). Cytogenetic location: 19q13.33.
Variant type: single nucleotide variant.
Coding change: c.3974G>A on transcript NM_001145809.2 (MANE Select); coding-DNA position 3974, G replaced by A.
Protein change: p.Arg1325Gln; replaces arginine 1325 with glutamine.
Molecular consequence: missense variant.
Genome position (GRCh38, 1-based): chr19:50,278,231, G>A. VCF-style: chr19-50278231-G-A. GRCh37 (hg19) VCF-style: chr19-50781488-G-A.
Other names: c.3875G>A, p.Arg1292Gln (NM_001077186.2); c.3851G>A, p.Arg1284Gln (NM_024729.4); short protein forms R1284Q, R1292Q, R1325Q.
Identifiers: ClinVar variation 1065061 (VCV001065061.12), dbSNP rs201181045, ClinGen allele CA9593385.